The following is an entry in ClinVar:

NM_001130144.3(LTBP3):c.3238G>A (p.Glu1080Lys)

Genes: LTBP3 (latent transforming growth factor beta binding protein 3; minus strand), LOC121832793 (Sharpr-MPRA regulatory region 4001; plus strand). Cytogenetic location: 11q13.1.
Variant type: single nucleotide variant.
Coding change: c.3238G>A on transcript NM_001130144.3 (MANE Select); coding-DNA position 3238, G replaced by A.
Protein change: p.Glu1080Lys; replaces glutamic acid 1080 with lysine.
Molecular consequence: missense variant.
Genome position (GRCh38, 1-based): chr11:65,540,251, C>T on the plus strand (G>A on the coding strand, the complement: LTBP3 is on the minus strand). VCF-style: chr11-65540251-C-T. GRCh37 (hg19) VCF-style: chr11-65307722-C-T.
Other names: c.2887G>A, p.Glu963Lys (NM_001164266.1); c.3238G>A, p.Glu1080Lys (NM_021070.4); short protein forms E1080K, E963K.
Identifiers: ClinVar variation 1447101 (VCV001447101.12), dbSNP rs907483608, ClinGen allele CA224009283.

ClinVar aggregate classification (germline): Uncertain significance. Review status: criteria provided, multiple submitters, no conflicts (2 of 4 stars). 3 submissions from 3 submitters: Uncertain significance (3). Last evaluated 2026-03-10.

Conditions:
Brachyolmia-amelogenesis imperfecta syndrome. Also called: PLATYSPONDYLY WITH AMELOGENESIS IMPERFECTA; Tooth agenesis, selective, 6; Dental anomalies and short stature. Identifiers: Orphanet 2899, MedGen C1832594, MONDO:0011018, OMIM 601216. Disease mechanism: loss of function.
Inborn genetic diseases. Identifiers: MedGen C0950123, MeSH D030342.
LTBP3-related disorder. Also called: LTBP3-related condition.

Allele frequency attached by ClinVar (database versions not stated): gnomAD exomes 0.00005; gnomAD 0.00015; TOPMed 0.00040.
gnomAD v4.1: 54 of 1,550,328 alleles (0.0035%); highest among the groups gnomAD compares: Admixed American, 0.078%; no homozygotes.

Submissions (3):

PreventionGenetics, part of Exact Sciences
Classification: Uncertain significance for LTBP3-related condition. Last evaluated: 2026-03-10. Review status: criteria provided, single submitter. Criteria: ACMG Guidelines, 2015. Collection method: clinical testing. Allele origin: germline.
Comment: The LTBP3 c.3238G>A variant is predicted to result in the amino acid substitution p.Glu1080Lys. To our knowledge, this variant has not been reported in the literature. This variant is reported in 0.016% of alleles in individuals of Latino descent in gnomAD. At this time, the clinical significance of this variant is uncertain due to the absence of conclusive functional and genetic evidence.

Labcorp Genetics (formerly Invitae), Labcorp
Classification: Uncertain significance for Brachyolmia-amelogenesis imperfecta syndrome. Last evaluated: 2026-01-02. Review status: criteria provided, single submitter. Criteria: Invitae Variant Classification Sherloc (09022015). Collection method: clinical testing. Allele origin: germline.
Comment: This sequence change replaces glutamic acid, which is acidic and polar, with lysine, which is basic and polar, at codon 1080 of the LTBP3 protein (p.Glu1080Lys). This variant is present in population databases (no rsID available, gnomAD 0.02%). This variant has not been reported in the literature in individuals affected with LTBP3-related conditions. ClinVar contains an entry for this variant (Variation ID: 1447101). An algorithm developed to predict the effect of missense changes on protein structure and function (PolyPhen-2) suggests that this variant is likely to be tolerated. In summary, the available evidence is currently insufficient to determine the role of this variant in disease. Therefore, it has been classified as a Variant of Uncertain Significance.

Ambry Genetics
Classification: Uncertain significance for Inborn genetic diseases. Last evaluated: 2023-11-14. Review status: criteria provided, single submitter. Criteria: Ambry Variant Classification Scheme 2023. Collection method: clinical testing. Allele origin: germline.